The following is an entry in ClinVar:

ClinVar aggregate classification (germline): Uncertain significance (1 of 4 stars; one submission).

Allele frequency attached by ClinVar (database versions not stated): TOPMed below 0.00001.
gnomAD v4.1: 20 of 1,613,208 alleles (0.0012%); highest among the groups gnomAD compares: Non-Finnish European, 0.0017%; no homozygotes.

Submission:

Labcorp Genetics (formerly Invitae), Labcorp
Classification: Uncertain significance. Last evaluated: 2022-06-29. Review status: criteria provided, single submitter. Criteria: Invitae Variant Classification Sherloc (09022015). Collection method: clinical testing. Allele origin: germline.
Comment: This sequence change replaces tyrosine, which is neutral and polar, with serine, which is neutral and polar, at codon 1944 of the ASPM protein (p.Tyr1944Ser). This variant is not present in population databases (gnomAD no frequency). This variant has not been reported in the literature in individuals affected with ASPM-related conditions. Algorithms developed to predict the effect of missense changes on protein structure and function output the following: SIFT: "Deleterious"; PolyPhen-2: "Probably Damaging"; Align-GVGD: "Class C35". The serine amino acid residue is found in multiple mammalian species, which suggests that this missense change does not adversely affect protein function. In summary, the available evidence is currently insufficient to determine the role of this variant in disease. Therefore, it has been classified as a Variant of Uncertain Significance.

NM_018136.5(ASPM):c.5831A>C (p.Tyr1944Ser)

Gene: ASPM (assembly factor for spindle microtubules; minus strand). Cytogenetic location: 1q31.3.
Variant type: single nucleotide variant.
Coding change: c.5831A>C on transcript NM_018136.5 (MANE Select); coding-DNA position 5831, A replaced by C.
Protein change: p.Tyr1944Ser; replaces tyrosine 1944 with serine.
Molecular consequence: missense variant. On other transcripts: intron variant (1).
Genome position (GRCh38, 1-based): chr1:197,103,420, T>G on the plus strand (A>C on the coding strand, the complement: ASPM is on the minus strand). VCF-style: chr1-197103420-T-G. GRCh37 (hg19) VCF-style: chr1-197072550-T-G.
Other names: c.4066-7256A>C (NM_001206846.2); short protein forms Y1944S.
Identifiers: ClinVar variation 2051134 (VCV002051134.4), dbSNP rs1657274202, ClinGen allele CA344024258.